The following is an entry in ClinVar:

ClinVar aggregate classification (germline): Uncertain significance (1 of 4 stars; one submission).

Conditions:
MHC class I deficiency. Identifiers: Orphanet 34592, MedGen C6024714, MONDO:0011476.

Allele frequency attached by ClinVar (database versions not stated): TOPMed below 0.00001; ExAC 0.00001; gnomAD 0.00001.
gnomAD v4.1: 33 of 1,612,856 alleles (0.002%); highest among the groups gnomAD compares: Non-Finnish European, 0.0028%; no homozygotes.

Submission:

Labcorp Genetics (formerly Invitae), Labcorp
Classification: Uncertain significance for MHC class I deficiency 1. Last evaluated: 2024-10-16. Review status: criteria provided, single submitter. Criteria: Invitae Variant Classification Sherloc (09022015). Collection method: clinical testing. Allele origin: germline.
Comment: This sequence change replaces serine, which is neutral and polar, with tyrosine, which is neutral and polar, at codon 386 of the TAP1 protein (p.Ser386Tyr). This variant is present in population databases (rs779346609, gnomAD 0.002%). This variant has not been reported in the literature in individuals affected with TAP1-related conditions. ClinVar contains an entry for this variant (Variation ID: 534709). An algorithm developed to predict the effect of missense changes on protein structure and function outputs the following: PolyPhen-2: "Benign". The tyrosine amino acid residue is found in multiple mammalian species, which suggests that this missense change does not adversely affect protein function. In summary, the available evidence is currently insufficient to determine the role of this variant in disease. Therefore, it has been classified as a Variant of Uncertain Significance.

NM_000593.6(TAP1):c.977C>A (p.Ser326Tyr)

Gene: TAP1 (transporter 1, ATP binding cassette subfamily B member; minus strand). Cytogenetic location: 6p21.32.
Variant type: single nucleotide variant.
Coding change: c.977C>A on transcript NM_000593.6 (MANE Select); coding-DNA position 977, C replaced by A.
Protein change: p.Ser326Tyr; replaces serine 326 with tyrosine.
Molecular consequence: missense variant.
Genome position (GRCh38, 1-based): chr6:32,851,017, G>T on the plus strand (C>A on the coding strand, the complement: TAP1 is on the minus strand). VCF-style: chr6-32851017-G-T. GRCh37 (hg19) VCF-style: chr6-32818794-G-T.
Other names: c.374C>A, p.Ser125Tyr (NM_001292022.2); short protein forms S386Y, S125Y, S326Y.
Identifiers: ClinVar variation 534709 (VCV000534709.11), dbSNP rs779346609, ClinGen allele CA3746888.